The following is an entry in ClinVar:

NM_000275.3(OCA2):c.1378C>G (p.Leu460Val)

Gene: OCA2 (OCA2 melanosomal transmembrane protein; minus strand). Cytogenetic location: 15q13.1.
Variant type: single nucleotide variant.
Coding change: c.1378C>G on transcript NM_000275.3 (MANE Select); coding-DNA position 1378, C replaced by G.
Protein change: p.Leu460Val; replaces leucine 460 with valine.
Molecular consequence: missense variant.
Genome position (GRCh38, 1-based): chr15:27,983,470, G>C on the plus strand (C>G on the coding strand, the complement: OCA2 is on the minus strand). VCF-style: chr15-27983470-G-C. GRCh37 (hg19) VCF-style: chr15-28228616-G-C.
Other names: c.1306C>G, p.Leu436Val (NM_001300984.2); short protein forms L460V, L436V.
Identifiers: ClinVar variation 2027164 (VCV002027164.6), dbSNP rs748692597, ClinGen allele CA7439046.
Genomic context (GRCh38, chr15:27,983,470, plus strand): 5'-CTCCTCCAATGTTTGTGAAGATCACTTCTGCAATCAGGACTTGTCTTGGATCAAGGTTGA[G>C]CACCTCACACAACCTGTCACAAATGGAGGAAAATGAAAGTAGTCCCACTATACACATCGT-3'
Protein context (NP_000266.2, residues 450-470): TPVTIRLCEV[Leu460Val]NLDPRQVLIA

ClinVar aggregate classification (germline): Conflicting classifications of pathogenicity. Review status: criteria provided, conflicting classifications (1 of 4 stars). 2 submissions from 2 submitters: Likely pathogenic (1); Uncertain significance (1). Last evaluated 2025-04-28.

Allele frequency attached by ClinVar (database versions not stated): ExAC 0.00002.
gnomAD v4.1: 7 of 1,614,208 alleles (0.00043%); highest among the groups gnomAD compares: East Asian, 0.016%; no homozygotes.

Submissions (2):

Women's Health and Genetics/Laboratory Corporation of America, LabCorp
Classification: Uncertain significance. Last evaluated: 2025-04-28. Review status: criteria provided, single submitter. Criteria: LabCorp Variant Classification Summary - May 2015. Collection method: clinical testing. Allele origin: germline.
Comment: Variant summary: OCA2 c.1378C>G (p.Leu460Val) results in a conservative amino acid change in the encoded protein sequence. Four of five in-silico tools predict a damaging effect of the variant on protein function. The variant allele was found at a frequency of 1.6e-05 in 251480 control chromosomes. The available data on variant occurrences in the general population are insufficient to allow any conclusion about variant significance. To our knowledge, no occurrence of c.1378C>G in individuals affected with Oculocutaneous Albinism and no experimental evidence demonstrating its impact on protein function have been reported. ClinVar contains an entry for this variant (Variation ID: 2027164). Based on the evidence outlined above, the variant was classified as uncertain significance.

Labcorp Genetics (formerly Invitae), Labcorp
Classification: Likely pathogenic. Last evaluated: 2022-08-27. Review status: criteria provided, single submitter. Criteria: Invitae Variant Classification Sherloc (09022015). Collection method: clinical testing. Allele origin: germline.
Comment: This variant has not been reported in the literature in individuals affected with OCA2-related conditions. Advanced modeling of protein sequence and biophysical properties (such as structural, functional, and spatial information, amino acid conservation, physicochemical variation, residue mobility, and thermodynamic stability) performed at Invitae indicates that this missense variant is expected to disrupt OCA2 protein function. This variant disrupts the p.Leu460 amino acid residue in OCA2. Other variant(s) that disrupt this residue have been determined to be pathogenic (PMID: 27734839, 29345414). This suggests that this residue is clinically significant, and that variants that disrupt this residue are likely to be disease-causing. In summary, the currently available evidence indicates that the variant is pathogenic, but additional data are needed to prove that conclusively. Therefore, this variant has been classified as Likely Pathogenic. This variant is present in population databases (rs748692597, gnomAD 0.02%). This sequence change replaces leucine, which is neutral and non-polar, with valine, which is neutral and non-polar, at codon 460 of the OCA2 protein (p.Leu460Val).

Literature cited by the submitters: PubMed 27734839 (cited by Labcorp Genetics (formerly Invitae), Labcorp); PubMed 29345414 (cited by Labcorp Genetics (formerly Invitae), Labcorp).